The following is an entry in ClinVar:

NM_198576.4(AGRN):c.4339G>T (p.Val1447Leu)

Gene: AGRN (agrin; plus strand). Cytogenetic location: 1p36.33.
Variant type: single nucleotide variant.
Coding change: c.4339G>T on transcript NM_198576.4 (MANE Select); coding-DNA position 4339, G replaced by T.
Protein change: p.Val1447Leu; replaces valine 1447 with leucine.
Molecular consequence: missense variant.
Genome position (GRCh38, 1-based): chr1:1,049,276, G>T. VCF-style: chr1-1049276-G-T. GRCh37 (hg19) VCF-style: chr1-984656-G-T.
Other names: c.4339G>T, p.Val1447Leu (NM_001305275.2); c.4024G>T, p.Val1342Leu (NM_001364727.2); short protein forms V1447L, V1342L.
Identifiers: ClinVar variation 2162001 (VCV002162001.4), dbSNP rs201436229, ClinGen allele CA337777138.

ClinVar aggregate classification (germline): Uncertain significance (1 of 4 stars; one submission).

Conditions:
Congenital myasthenic syndrome 8. Also called: Myasthenic syndrome, congenital, 8, with pre- and postsynaptic defects; MYASTHENIC SYNDROME, CONGENITAL, DUE TO AGRIN DEFICIENCY. Identifiers: Orphanet 590, MedGen C3808739, MONDO:0014052, OMIM 615120.

gnomAD v4.1: 2 of 1,595,392 alleles (0.00013%); highest among the groups gnomAD compares: Admixed American, 0.0017%; no homozygotes.

Submission:

Labcorp Genetics (formerly Invitae), Labcorp
Classification: Uncertain significance for Congenital myasthenic syndrome 8. Last evaluated: 2022-04-16. Review status: criteria provided, single submitter. Criteria: Invitae Variant Classification Sherloc (09022015). Collection method: clinical testing. Allele origin: germline.
Comment: In summary, the available evidence is currently insufficient to determine the role of this variant in disease. Therefore, it has been classified as a Variant of Uncertain Significance. Algorithms developed to predict the effect of missense changes on protein structure and function are either unavailable or do not agree on the potential impact of this missense change (SIFT: "Deleterious"; PolyPhen-2: "Possibly Damaging"; Align-GVGD: "Class C0"). This sequence change replaces valine, which is neutral and non-polar, with leucine, which is neutral and non-polar, at codon 1447 of the AGRN protein (p.Val1447Leu). The frequency data for this variant in the population databases is considered unreliable, as metrics indicate poor data quality at this position in the gnomAD database. This variant has not been reported in the literature in individuals affected with AGRN-related conditions.